The following is an entry in ClinVar:

NM_003000.3(SDHB):c.-9G>A

Gene: SDHB (succinate dehydrogenase complex iron sulfur subunit B; minus strand). Cytogenetic location: 1p36.13.
Variant type: single nucleotide variant.
Coding change: c.-9G>A on transcript NM_003000.3 (MANE Select); 9 bases upstream of the start codon, G replaced by A.
Molecular consequence: 5 prime UTR variant.
Genome position (GRCh38, 1-based): chr1:17,054,028, C>T on the plus strand (G>A on the coding strand, the complement: SDHB is on the minus strand). VCF-style: chr1-17054028-C-T. GRCh37 (hg19) VCF-style: chr1-17380523-C-T.
Other names: c.-9G>A (NM_001407361.1).
Identifiers: ClinVar variation 3071038 (VCV003071038.2), dbSNP rs2078164524, ClinGen allele CA999099982.

ClinVar aggregate classification (germline): Uncertain significance. Review status: criteria provided, multiple submitters, no conflicts (2 of 4 stars). 2 submissions from 2 submitters: Uncertain significance (2). Last evaluated 2025-10-09.

Conditions:
Hereditary pheochromocytoma and paraganglioma. Also called: Hereditary pheochromocytoma-paraganglioma; Hereditary Paraganglioma-Pheochromocytoma Syndromes; Hereditary paragangliomas and pheochromocytomas. Identifiers: Orphanet 29072, MedGen C4274332, MONDO:0017366.

Allele frequency attached by ClinVar (database versions not stated): TOPMed below 0.00001; gnomAD 0.00001.
gnomAD v4.1: 1 of 1,605,266 alleles (0.000062%); highest among the groups gnomAD compares: Non-Finnish European, 0.000085%; no homozygotes.

Submissions (2):

Quest Diagnostics Nichols Institute San Juan Capistrano
Classification: Uncertain significance. Last evaluated: 2025-10-09. Review status: criteria provided, single submitter. Criteria: Quest Diagnostics criteria. Collection method: clinical testing. Allele origin: unknown.

All of Us Research Program, National Institutes of Health
Classification: Uncertain significance for Hereditary pheochromocytoma and paraganglioma. Last evaluated: 2023-05-16. Review status: criteria provided, single submitter. Criteria: ACMG Guidelines, 2015. Collection method: clinical testing. Allele origin: germline. Inheritance: Autosomal dominant inheritance. Observed: 1 variant allele, 1 heterozygote.
Comment: This variant is a guanine to adenine nucleotide change at the -9 position in the 5'UTR of the SDHB gene. To our knowledge, expression studies have not been reported for this variant. This variant has not been reported in individuals affected with SDHB-related disorders in the literature. This variant has not been identified in the general population by the Genome Aggregation Database (gnomAD). The available evidence is insufficient to determine the role of this variant in disease conclusively. Therefore, this variant is classified as a Variant of Uncertain Significance.

This study involves interpretation of variants in research participants for the purpose of population health screening. Participant phenotype was not available at the time of variant classification. Additional details can be found in publication PMID: 35346344, PMCID: PMC8962531